The following is an entry in ClinVar:

NM_003072.5(SMARCA4):c.455C>T (p.Ala152Val)

Gene: SMARCA4 (SWI/SNF related BAF chromatin remodeling complex subunit ATPase 4; plus strand). Cytogenetic location: 19p13.2.
Variant type: single nucleotide variant.
Coding change: c.455C>T on transcript NM_003072.5 (MANE Select); coding-DNA position 455, C replaced by T.
Protein change: p.Ala152Val; replaces alanine 152 with valine.
Molecular consequence: missense variant. On other transcripts: non-coding transcript variant (1).
Genome position (GRCh38, 1-based): chr19:10,986,288, C>T. VCF-style: chr19-10986288-C-T. GRCh37 (hg19) VCF-style: chr19-11096964-C-T.
Other names: c.455C>T, p.Ala152Val (NM_001128844.3, NM_001128845.2, NM_001128846.2 and 5 more transcripts); short protein forms A152V.
Identifiers: ClinVar variation 484884 (VCV000484884.19), dbSNP rs777272957, ClinGen allele CA9203511.

ClinVar aggregate classification (germline): Conflicting classifications of pathogenicity. Review status: criteria provided, conflicting classifications (1 of 4 stars). 3 submissions from 3 submitters: Uncertain significance (2); Likely benign (1). Last evaluated 2024-08-15.

Conditions:
Hereditary cancer-predisposing syndrome. Also called: Neoplastic Syndromes, Hereditary; Tumor predisposition; Hereditary Cancer Syndrome; Hereditary neoplastic syndrome. Identifiers: Orphanet 140162, MedGen C0027672, MeSH D009386, MONDO:0015356.
Intellectual disability, autosomal dominant 16 (CSS4). Also called: COFFIN-SIRIS SYNDROME 4. Identifiers: Orphanet 1465, MedGen C3553249, MONDO:0013821, OMIM 614609.
Rhabdoid tumor predisposition syndrome 2 (RTPS2). Identifiers: Orphanet 231108, Orphanet 69077, MedGen C2750074, MONDO:0013224, OMIM 613325.

Allele frequency attached by ClinVar (database versions not stated): ExAC 0.00001; gnomAD exomes 0.00001.
gnomAD v4.1: 1 of 1,613,760 alleles (0.000062%); highest among the groups gnomAD compares: South Asian, 0.0011%; no homozygotes.

Submissions (3):

Ambry Genetics
Classification: Likely benign for Hereditary cancer-predisposing syndrome. Last evaluated: 2024-08-15. Review status: criteria provided, single submitter. Criteria: Ambry Variant Classification Scheme 2023. Collection method: clinical testing. Allele origin: germline.

Labcorp Genetics (formerly Invitae), Labcorp
Classification: Uncertain significance for Rhabdoid tumor predisposition syndrome 2. Last evaluated: 2022-06-22. Review status: criteria provided, single submitter. Criteria: Invitae Variant Classification Sherloc (09022015). Collection method: clinical testing. Allele origin: germline.
Comment: Algorithms developed to predict the effect of missense changes on protein structure and function output the following: SIFT: "Tolerated"; PolyPhen-2: "Benign"; Align-GVGD: "Class C0". The valine amino acid residue is found in multiple mammalian species, which suggests that this missense change does not adversely affect protein function. ClinVar contains an entry for this variant (Variation ID: 484884). This variant has not been reported in the literature in individuals affected with SMARCA4-related conditions. This variant is present in population databases (rs777272957, gnomAD 0.003%). This sequence change replaces alanine, which is neutral and non-polar, with valine, which is neutral and non-polar, at codon 152 of the SMARCA4 protein (p.Ala152Val). In summary, the available evidence is currently insufficient to determine the role of this variant in disease. Therefore, it has been classified as a Variant of Uncertain Significance.

Genome-Nilou Lab
Classification: Uncertain significance for Intellectual disability, autosomal dominant 16. Last evaluated: 2021-07-15. Review status: criteria provided, single submitter. Criteria: ACMG Guidelines, 2015. Collection method: clinical testing. Allele origin: germline. Affected: no.